The following is an entry in ClinVar:

NM_001103.4(ACTN2):c.2440T>C (p.Phe814Leu)

Gene: ACTN2 (actinin alpha 2; plus strand). Cytogenetic location: 1q43.
Variant type: single nucleotide variant.
Coding change: c.2440T>C on transcript NM_001103.4 (MANE Select); coding-DNA position 2440, T replaced by C.
Protein change: p.Phe814Leu; replaces phenylalanine 814 with leucine.
Molecular consequence: missense variant. On other transcripts: non-coding transcript variant (1).
Genome position (GRCh38, 1-based): chr1:236,761,087, T>C. VCF-style: chr1-236761087-T-C. GRCh37 (hg19) VCF-style: chr1-236924387-T-C.
Other names: c.2440T>C, p.Phe814Leu (NM_001278343.2); short protein forms F814L.
Identifiers: ClinVar variation 3572908 (VCV003572908.2).
Genomic context (GRCh38, chr1:236,761,087, plus strand): 5'-TTTGCCCGCATTATGACCCTGGTAGATCCCAACGGGCAAGGCACCGTCACCTTCCAATCC[T>C]TCATCGACTTCATGACTAGAGAGACGGCTGACACCGACACTGCCGAGCAGGTCATCGCCT-3'
Protein context (NP_001094.1, residues 804-824): NGQGTVTFQS[Phe814Leu]IDFMTRETAD

ClinVar aggregate classification (germline): Uncertain significance (1 of 4 stars; one submission).

Conditions:
Dilated cardiomyopathy 1AA (CMD1AA). Also called: Cardiomyopathy, dilated, 1AA, with or without LVNC; CARDIOMYOPATHY, FAMILIAL HYPERTROPHIC, 23, WITH OR WITHOUT LEFT VENTRICULAR NONCOMPACTION; CARDIOMYOPATHY, DILATED, 1AA, WITH OR WITHOUT LEFT VENTRICULAR NONCOMPACTION. Identifiers: Orphanet 154, MedGen C2677338, MONDO:0012808, OMIM 612158.

Submission:

Institute of Human Genetics, University of Leipzig Medical Center
Classification: Uncertain significance for Dilated cardiomyopathy 1AA. Last evaluated: 2024-12-16. Review status: criteria provided, single submitter. Criteria: ACMG Guidelines, 2015. Collection method: clinical testing. Allele origin: unknown. Inheritance: Autosomal dominant inheritance. Affected: yes.
Comment: Criteria applied: PM2,PP3